The following is an entry in ClinVar:

NM_001303256.3(MORC2):c.1237G>T (p.Val413Phe)

Gene: MORC2 (MORC family CW-type zinc finger 2; minus strand). Cytogenetic location: 22q12.2.
Variant type: single nucleotide variant.
Coding change: c.1237G>T on transcript NM_001303256.3 (MANE Select); coding-DNA position 1237, G replaced by T.
Protein change: p.Val413Phe; replaces valine 413 with phenylalanine.
Molecular consequence: missense variant.
Genome position (GRCh38, 1-based): chr22:30,937,947, C>A on the plus strand (G>T on the coding strand, the complement: MORC2 is on the minus strand). VCF-style: chr22-30937947-C-A. GRCh37 (hg19) VCF-style: chr22-31333934-C-A.
Other names: c.1237G>T, p.Val413Phe (NM_001303257.2); c.1051G>T, p.Val351Phe (NM_014941.3); short protein forms V351F, V413F.
Identifiers: ClinVar variation 804165 (VCV000804165.2), dbSNP rs1602485677, ClinGen allele CA411239063.

ClinVar aggregate classification (germline): Likely pathogenic (1 of 4 stars; one submission).

Submission:

GeneDx
Classification: Likely pathogenic. Last evaluated: 2020-08-17. Review status: criteria provided, single submitter. Criteria: GeneDx Variant Classification Process June 2021. Collection method: clinical testing. Allele origin: germline. Affected: yes.
Comment: Published functional studies demonstrate a damaging effect (Guillen Sacoto et al., 2020); Not observed in large population cohorts (Lek et al., 2016); In silico analysis, which includes protein predictors and evolutionary conservation, supports a deleterious effect; This variant is associated with the following publications: (PMID: 32693025)